The following is an entry in ClinVar:

ClinVar aggregate classification (germline): Uncertain significance (1 of 4 stars; one submission).

Conditions:
Primary ciliary dyskinesia. Also called: Ciliary dyskinesia. Identifiers: Orphanet 244, MedGen C0008780, MONDO:0016575, HP:0012265.

Submission:

Labcorp Genetics (formerly Invitae), Labcorp
Classification: Uncertain significance for Primary ciliary dyskinesia. Last evaluated: 2024-05-22. Review status: criteria provided, single submitter. Criteria: Invitae Variant Classification Sherloc (09022015). Collection method: clinical testing. Allele origin: germline.
Comment: This sequence change replaces leucine, which is neutral and non-polar, with histidine, which is basic and polar, at codon 2462 of the DNAH5 protein (p.Leu2462His). This variant is not present in population databases (gnomAD no frequency). This missense change has been observed in individual(s) with clinical features of DNAH5-related condition (Invitae). ClinVar contains an entry for this variant (Variation ID: 525257). Advanced modeling of protein sequence and biophysical properties (such as structural, functional, and spatial information, amino acid conservation, physicochemical variation, residue mobility, and thermodynamic stability) performed at Invitae indicates that this missense variant is not expected to disrupt DNAH5 protein function with a negative predictive value of 95%. In summary, the available evidence is currently insufficient to determine the role of this variant in disease. Therefore, it has been classified as a Variant of Uncertain Significance.

NM_001369.3(DNAH5):c.7385T>A (p.Leu2462His)

Gene: DNAH5 (dynein axonemal heavy chain 5; minus strand). Cytogenetic location: 5p15.2.
Variant type: single nucleotide variant.
Coding change: c.7385T>A on transcript NM_001369.3 (MANE Select); coding-DNA position 7385, T replaced by A.
Protein change: p.Leu2462His; replaces leucine 2462 with histidine.
Molecular consequence: missense variant.
Genome position (GRCh38, 1-based): chr5:13,811,669, A>T on the plus strand (T>A on the coding strand, the complement: DNAH5 is on the minus strand). VCF-style: chr5-13811669-A-T. GRCh37 (hg19) VCF-style: chr5-13811778-A-T.
Other names: short protein forms L2462H.
Identifiers: ClinVar variation 525257 (VCV000525257.7), dbSNP rs1554059594, ClinGen allele CA359189054.